The following is an entry in ClinVar:

NM_019032.6(ADAMTSL4):c.475T>A (p.Tyr159Asn)

Genes: ADAMTSL4 (ADAMTS like 4; plus strand), ADAMTSL4-AS2 (ADAMTSL4 antisense RNA 2; minus strand). Cytogenetic location: 1q21.2.
Variant type: single nucleotide variant.
Coding change: c.475T>A on transcript NM_019032.6 (MANE Select); coding-DNA position 475, T replaced by A.
Protein change: p.Tyr159Asn; replaces tyrosine 159 with asparagine.
Molecular consequence: missense variant.
Genome position (GRCh38, 1-based): chr1:150,553,466, T>A. VCF-style: chr1-150553466-T-A. GRCh37 (hg19) VCF-style: chr1-150525942-T-A.
Other names: c.475T>A, p.Tyr159Asn (NM_001288607.2, NM_001288608.2, NM_001378596.1 and 1 more transcripts); short protein forms Y159N.
Identifiers: ClinVar variation 1715872 (VCV001715872.6), dbSNP rs138212692, ClinGen allele CA342300961.

ClinVar aggregate classification (germline): Uncertain significance (1 of 4 stars; one submission).

Submission:

Labcorp Genetics (formerly Invitae), Labcorp
Classification: Uncertain significance. Last evaluated: 2022-08-09. Review status: criteria provided, single submitter. Criteria: Invitae Variant Classification Sherloc (09022015). Collection method: clinical testing. Allele origin: germline.
Comment: In summary, the available evidence is currently insufficient to determine the role of this variant in disease. Therefore, it has been classified as a Variant of Uncertain Significance. Algorithms developed to predict the effect of missense changes on protein structure and function are either unavailable or do not agree on the potential impact of this missense change (SIFT: "Tolerated"; PolyPhen-2: "Possibly Damaging"; Align-GVGD: "Class C0"). This variant has not been reported in the literature in individuals affected with ADAMTSL4-related conditions. This variant is not present in population databases (gnomAD no frequency). This sequence change replaces tyrosine, which is neutral and polar, with asparagine, which is neutral and polar, at codon 159 of the ADAMTSL4 protein (p.Tyr159Asn).